The following is an entry in ClinVar:

NM_001759.4(CCND2):c.756G>A (p.Ala252=)

Gene: CCND2 (cyclin D2; plus strand). Cytogenetic location: 12p13.32.
Variant type: single nucleotide variant.
Coding change: c.756G>A on transcript NM_001759.4 (MANE Select); coding-DNA position 756, G replaced by A.
Protein change: p.Ala252=; no amino-acid change (alanine 252 retained).
Molecular consequence: synonymous variant.
Genome position (GRCh38, 1-based): chr12:4,299,895, G>A. VCF-style: chr12-4299895-G-A. GRCh37 (hg19) VCF-style: chr12-4409061-G-A.
Identifiers: ClinVar variation 511836 (VCV000511836.42), dbSNP rs145050894, ClinGen allele CA6395323.

ClinVar aggregate classification (germline): Benign/Likely benign. Review status: criteria provided, multiple submitters, no conflicts (2 of 4 stars). 6 submissions from 6 submitters: Benign (2); Likely benign (3). 1 of the submissions does not count toward it. Last evaluated 2026-05-01.

Conditions:
Megalencephaly-polymicrogyria-polydactyly-hydrocephalus syndrome 3 (MPPH3). Identifiers: Orphanet 83473, MedGen C4014742, MONDO:0014408, OMIM 615938.
CCND2-related disorder. Also called: CCND2-related condition.

Allele frequency attached by ClinVar (database versions not stated): ExAC 0.00051; gnomAD exomes 0.00051 and 0.00124; gnomAD 0.00072 and 0.00074; 1000 Genomes Project 0.00080; TOPMed 0.00085; ESP Exome Variant Server 0.00100; 1000 Genomes Project 30x 0.00125.
gnomAD v4.1: 1,969 of 1,614,070 alleles (0.12%); highest among the groups gnomAD compares: Non-Finnish European, 0.15%; 4 homozygotes.

Submissions (6):

CeGaT Center for Human Genetics Tuebingen
Classification: Likely benign. Last evaluated: 2026-05-01. Review status: criteria provided, single submitter. Criteria: CeGaT Center For Human Genetics Tuebingen Variant Classification Criteria Version 2. Collection method: clinical testing. Allele origin: germline. Affected: yes. Observed: 8 variant alleles.
Comment: CCND2: BP4, BP7

Labcorp Genetics (formerly Invitae), Labcorp
Classification: Benign. Last evaluated: 2025-08-02. Review status: criteria provided, single submitter. Criteria: Invitae Variant Classification Sherloc (09022015). Collection method: clinical testing. Allele origin: germline.

Blueprint Genetics
Classification: Likely benign. Last evaluated: 2024-11-06. Review status: criteria provided, single submitter. Criteria: ACMG Guidelines, 2015. Collection method: clinical testing. Allele origin: germline.

Fulgent Genetics
Classification: Likely benign for Megalencephaly-polymicrogyria-polydactyly-hydrocephalus syndrome 3. Last evaluated: 2021-10-18. Review status: criteria provided, single submitter. Criteria: ACMG Guidelines, 2015. Collection method: clinical testing. Allele origin: unknown.

GeneDx
Classification: Benign. Last evaluated: 2019-02-15. Review status: criteria provided, single submitter. Criteria: GeneDx Variant Classification Process June 2021. Collection method: clinical testing. Allele origin: germline. Affected: yes.

PreventionGenetics, part of Exact Sciences
Classification: Likely benign for CCND2-related condition. Last evaluated: 2019-09-20. Review status: no assertion criteria provided. Collection method: clinical testing. Allele origin: germline. Not counted in ClinVar's aggregate classification.
Comment: This variant is classified as likely benign based on ACMG/AMP sequence variant interpretation guidelines (Richards et al. 2015 PMID: 25741868, with internal and published modifications).